The following is an entry in ClinVar:

NM_152703.5(SAMD9L):c.3899T>G (p.Phe1300Cys)

Gene: SAMD9L (sterile alpha motif domain containing 9 like; minus strand). Cytogenetic location: 7q21.2.
Variant type: single nucleotide variant.
Coding change: c.3899T>G on transcript NM_152703.5 (MANE Select); coding-DNA position 3899, T replaced by G.
Protein change: p.Phe1300Cys; replaces phenylalanine 1300 with cysteine.
Molecular consequence: missense variant.
Genome position (GRCh38, 1-based): chr7:93,132,073, A>C on the plus strand (T>G on the coding strand, the complement: SAMD9L is on the minus strand). VCF-style: chr7-93132073-A-C. GRCh37 (hg19) VCF-style: chr7-92761386-A-C.
Other names: c.3899T>G, p.Phe1300Cys (NM_001303496.3, NM_001303497.3, NM_001303498.3 and 5 more transcripts); short protein forms F1300C.
Identifiers: ClinVar variation 1328973 (VCV001328973.3), dbSNP rs2116474947, ClinGen allele CA368179149.

ClinVar aggregate classification (germline): Uncertain significance (1 of 4 stars; one submission).

Conditions:
Ataxia-pancytopenia syndrome (ATXPC). Also called: SAMD9L-Related Syndrome; SAMD9L Ataxia-Pancytopenia Syndrome. Identifiers: Orphanet 2585, MedGen C1327919, MONDO:0008038, OMIM 159550.

Submission:

Center for Human Genetics and Genomic Medicine, Uniklinik Rwth Aachen
Classification: Uncertain significance for Ataxia-pancytopenia syndrome. Last evaluated: 2021-12-23. Review status: criteria provided, single submitter. Criteria: ACMG Guidelines, 2015. Collection method: clinical testing. Allele origin: unknown. Affected: yes.
Comment: The variant has not been reported in databases or inthe literature. bioinformatic prediction tools give ambiguous results, however, it cannot be predicted whether it is a gain-of-function variant. It is regarded as a variant of uncertain significance.